The following is an entry in ClinVar:

ClinVar aggregate classification (germline): Uncertain significance (1 of 4 stars; one submission).

Conditions:
Hereditary spastic paraplegia 73. Also called: Spastic paraplegia 73, autosomal dominant. Identifiers: Orphanet 444099, MedGen C5568981, MONDO:0014568, OMIM 616282.

Allele frequency attached by ClinVar (database versions not stated): gnomAD exomes below 0.00001 and 0.00001; gnomAD 0.00001.
gnomAD v4.1: 12 of 1,611,912 alleles (0.00074%); highest among the groups gnomAD compares: African/African-American, 0.0013%; no homozygotes.

Submission:

Victorian Clinical Genetics Services, Murdoch Childrens Research Institute
Classification: Uncertain significance for Hereditary spastic paraplegia 73. Last evaluated: 2022-02-02. Review status: criteria provided, single submitter. Criteria: ACMG Guidelines, 2015. Collection method: clinical testing. Allele origin: germline. Inheritance: Autosomal dominant inheritance. Affected: yes.
Comment: Based on the classification scheme VCGS_Germline_v1.3.4, this variant is classified as VUS-3A. Following criteria are met: 0103 - Dominant negative and loss of function are suspected mechanisms of disease in this gene and are associated with spastic paraplegia 73 (MIM#616282). A nonsense variant leading to nonsense mediated decay and a missense variant with an apparent dominant negative effect have both been reported (PMID: 25751282, 30911584). (I) 0107 - This gene is associated with autosomal dominant disease. (I) 0201 - Variant is predicted to cause nonsense-mediated decay (NMD) and loss of protein (premature termination codon is located at least 54 nucleotides upstream of the final exon-exon junction). (SP) 0251 - This variant is heterozygous. (I) 0302 - Variant is present in gnomAD (v2) <0.001 for a dominant condition (2 heterozygotes, 0 homozygotes). (SP) 0704 - Another NMD variant comparable to the one identified in this case has limited previous evidence for pathogenicity. A nonsense variant proven to undergo NMD was reported in one family with hereditary spastic paraplegia with a benign clinical course (PMID: 30911584). (SP) 0807 - This variant has no previous evidence of pathogenicity. (I) 0905 - No published segregation evidence has been identified for this variant. (I) 1007 - No published functional evidence has been identified for this variant. (I) 1208 - Inheritance information for this variant is not currently available in this individual. (I) Legend: (SP) - Supporting pathogenic, (I) - Information, (SB) - Supporting benign

Literature cited by the submitters: PubMed 25751282; PubMed 30911584.

NM_001199753.2(CPT1C):c.449G>A (p.Trp150Ter)

Gene: CPT1C (carnitine palmitoyltransferase 1C; plus strand). Cytogenetic location: 19q13.33.
Variant type: single nucleotide variant.
Coding change: c.449G>A on transcript NM_001199753.2 (MANE Select); coding-DNA position 449, G replaced by A.
Protein change: p.Trp150Ter; replaces tryptophan 150 with a stop codon.
Molecular consequence: nonsense. On other transcripts: non-coding transcript variant (1).
Genome position (GRCh38, 1-based): chr19:49,700,851, G>A. VCF-style: chr19-49700851-G-A. GRCh37 (hg19) VCF-style: chr19-50204108-G-A.
Other names: c.449G>A, p.Trp150Ter (NM_001136052.3, NM_001199752.3, NM_001378482.1 and 7 more transcripts); short protein forms W150*.
Identifiers: ClinVar variation 1699131 (VCV001699131.3), dbSNP rs772980944, ClinGen allele CA309508515.